The following is an entry in ClinVar:

NM_000520.6(HEXA):c.218_219insAAA (p.Phe73delinsLeuAsn)

Gene: HEXA (hexosaminidase subunit alpha; minus strand). Cytogenetic location: 15q23.
Variant type: Insertion.
Coding change: c.218_219insAAA on transcript NM_000520.6 (MANE Select); coding-DNA positions 218 to 219, AAA inserted.
Protein change: p.Phe73delinsLeuAsn.
Molecular consequence: inframe indel. On other transcripts: non-coding transcript variant (1).
Genome position: GRCh38 VCF-style: chr15-72375754-G-GTTT. GRCh37 (hg19) VCF-style: chr15-72668095-G-GTTT.
Other names: c.218_219insAAA, p.Phe73delinsLeuAsn (NM_001318825.2).
Identifiers: ClinVar variation 556355 (VCV000556355.11), dbSNP rs1555475468, ClinGen allele CA658824870.

ClinVar aggregate classification (germline): Uncertain significance. Review status: criteria provided, single submitter (1 of 4 stars). 2 submissions from 2 submitters: Uncertain significance (1). 1 of the submissions does not count toward it. Last evaluated 2022-02-04.

Conditions:
Tay-Sachs disease (TSD). Also called: HEXA Disorders; HEXA DEFICIENCY; Hexosaminidase A Deficiency; GM2 gangliosidosis, type 1; Hexosaminidase alpha-subunit deficiency (variant B); Sphingolipidosis, Tay-Sachs. Identifiers: Orphanet 845, MedGen C0039373, MONDO:0010100, OMIM 272800.

Allele frequency attached by ClinVar (database versions not stated): gnomAD exomes below 0.00001.

Submissions (2):

Labcorp Genetics (formerly Invitae), Labcorp
Classification: Uncertain significance for Tay-Sachs disease. Last evaluated: 2022-02-04. Review status: criteria provided, single submitter. Criteria: Invitae Variant Classification Sherloc (09022015). Collection method: clinical testing. Allele origin: germline.
Comment: Experimental studies and prediction algorithms are not available or were not evaluated, and the functional significance of this variant is currently unknown. In summary, the available evidence is currently insufficient to determine the role of this variant in disease. Therefore, it has been classified as a Variant of Uncertain Significance. ClinVar contains an entry for this variant (Variation ID: 556355). This variant has not been reported in the literature in individuals affected with HEXA-related conditions. This variant is not present in population databases (gnomAD no frequency). This variant, c.218_219insAAA, is a complex sequence change that results in the deletion of 1 and insertion of 2 amino acid(s) in the HEXA protein (p.Phe73delinsLeuAsn).

Counsyl
Classification: Uncertain significance for Tay-Sachs disease. Last evaluated: 2018-01-25. Review status: no assertion criteria provided. Collection method: clinical testing. Allele origin: unknown. Not counted in ClinVar's aggregate classification.